The following is an entry in ClinVar:

NM_001142800.2(EYS):c.7456A>T (p.Ser2486Cys)

Gene: EYS (EGF-like photoreceptor maintenance factor; minus strand). Cytogenetic location: 6q12.
Variant type: single nucleotide variant.
Coding change: c.7456A>T on transcript NM_001142800.2 (MANE Select); coding-DNA position 7456, A replaced by T.
Protein change: p.Ser2486Cys; replaces serine 2486 with cysteine.
Molecular consequence: missense variant.
Genome position (GRCh38, 1-based): chr6:63,789,180, T>A on the plus strand (A>T on the coding strand, the complement: EYS is on the minus strand). VCF-style: chr6-63789180-T-A. GRCh37 (hg19) VCF-style: chr6-64499073-T-A.
Other names: c.7456A>T, p.Ser2486Cys (NM_001292009.2); short protein forms S2486C.
Identifiers: ClinVar variation 1373339 (VCV001373339.6), dbSNP rs2149670919, ClinGen allele CA364385981.

ClinVar aggregate classification (germline): Uncertain significance (1 of 4 stars; one submission).

Submission:

Labcorp Genetics (formerly Invitae), Labcorp
Classification: Uncertain significance. Last evaluated: 2025-03-31. Review status: criteria provided, single submitter. Criteria: Invitae Variant Classification Sherloc (09022015). Collection method: clinical testing. Allele origin: germline.
Comment: This sequence change replaces serine, which is neutral and polar, with cysteine, which is neutral and slightly polar, at codon 2486 of the EYS protein (p.Ser2486Cys). This variant is not present in population databases (gnomAD no frequency). This variant has not been reported in the literature in individuals affected with EYS-related conditions. ClinVar contains an entry for this variant (Variation ID: 1373339). Invitae Evidence Modeling of protein sequence and biophysical properties (such as structural, functional, and spatial information, amino acid conservation, physicochemical variation, residue mobility, and thermodynamic stability) indicates that this missense variant is not expected to disrupt EYS protein function with a negative predictive value of 80%. In summary, the available evidence is currently insufficient to determine the role of this variant in disease. Therefore, it has been classified as a Variant of Uncertain Significance.